The following is an entry in ClinVar:

NM_001353694.2(TIAM1):c.83G>A (p.Arg28His)

Gene: TIAM1 (TIAM Rac1 associated GEF 1; minus strand). Cytogenetic location: 21q22.11.
Variant type: single nucleotide variant.
Coding change: c.83G>A on transcript NM_001353694.2 (MANE Select); coding-DNA position 83, G replaced by A.
Protein change: p.Arg28His; replaces arginine 28 with histidine.
Molecular consequence: missense variant.
Genome position (GRCh38, 1-based): chr21:31,266,890, C>T on the plus strand (G>A on the coding strand, the complement: TIAM1 is on the minus strand). VCF-style: chr21-31266890-C-T. GRCh37 (hg19) VCF-style: chr21-32639206-C-T.
Other names: c.83G>A, p.Arg28His (NM_001353686.2, NM_001353687.2, NM_001353688.1 and 6 more transcripts); short protein forms R28H.
Identifiers: ClinVar variation 3372138 (VCV003372138.1).

ClinVar aggregate classification (germline): Uncertain significance (1 of 4 stars; one submission).

gnomAD v4.1: 45 of 1,613,842 alleles (0.0028%); highest among the groups gnomAD compares: African/African-American, 0.044%; no homozygotes.

Submission:

GeneDx
Classification: Uncertain significance. Last evaluated: 2024-04-05. Review status: criteria provided, single submitter. Criteria: GeneDx Variant Classification Process June 2021. Collection method: clinical testing. Allele origin: germline. Affected: yes.
Comment: In silico analysis supports that this missense variant has a deleterious effect on protein structure/function; Has not been previously published as pathogenic or benign to our knowledge